The following is an entry in ClinVar:

ClinVar aggregate classification (germline): Pathogenic/Likely pathogenic. Review status: criteria provided, multiple submitters, no conflicts (2 of 4 stars). 4 submissions from 4 submitters: Pathogenic (2); Likely pathogenic (1). 1 of the submissions does not count toward it. Last evaluated 2024-05-20.

Conditions:
Developmental and epileptic encephalopathy, 7 (DEE7). Also called: KCNQ2-Related Neonatal Epileptic Encephalopathy; Early infantile epileptic encephalopathy 7; KCNQ2-Related Neonatal-Onset Developmental and Epileptic Encephalopathy (NEO-DEE). Identifiers: Orphanet 439218, MedGen C3150986, MONDO:0013387, OMIM 613720.

Submissions (4):

GeneDx
Classification: Pathogenic. Last evaluated: 2024-05-20. Review status: criteria provided, single submitter. Criteria: GeneDx Variant Classification Process June 2021. Collection method: clinical testing. Allele origin: germline. Affected: yes.
Comment: Not observed at significant frequency in large population cohorts (gnomAD); Published functional studies demonstrate a damaging effect through a significant reduction in current amplitude and conductance-voltage relationship in KCNQ2 channels (PMID: 35857840); In silico analysis supports that this missense variant has a deleterious effect on protein structure/function; This substitution is predicted to be within the transmembrane segment S6 domain; This variant is associated with the following publications: (PMID: 28631195, 28867141, 31785789, 25959266, 23692823, 33057194, 35982159, 35857840)

Dasa
Classification: Likely pathogenic for Developmental and epileptic encephalopathy, 7. Last evaluated: 2022-03-25. Review status: criteria provided, single submitter. Criteria: ACMG Guidelines, 2015. Collection method: clinical testing. Allele origin: germline. Affected: yes. Observed: 1 variant allele.
Comment: The c.911T>C;p.(Phe304Ser) missense change has been observed in affected individual(s) and ClinVar contains an entry for this variant (ClinVar ID: 369771; PMID: 23692823; PMID: 25959266)PS4_moderate. The variant is located in a mutational hot spot and/or critical and well-established functional domain (Ion_trans_2) - PM1. This variant is not present in population databases (rs1057516100- gnomAD; ABraOM no frequency.) - PM2. The variant was assumed de novo, but without confirmation of paternity and maternity (PMID: 23692823; 25959266) - PM6. Multiple lines of computational evidence support a deleterious effect on the gene or gene product - PP3. In summary, the currently available evidence indicates that the variant is likely pathogenic

Mayo Clinic Laboratories, Mayo Clinic
Classification: Pathogenic. Last evaluated: 2019-09-09. Review status: criteria provided, single submitter. Criteria: ACMG Guidelines, 2015. Collection method: clinical testing. Allele origin: germline. Observed: 1 variant allele.
Comment: PS2, PM1, PM2, PM6, PP2, PP4

GeneReviews
No classification provided. Condition: Developmental and epileptic encephalopathy, 7. Review status: no classification provided. Collection method: literature only. Allele origin: germline. Affected: yes. Not counted in ClinVar's aggregate classification.
Comment: EE (epileptic encephalopathy)

Literature cited by the submitters: PubMed 23692823 (cited by 3 submitters); PubMed 25959266 (cited by Dasa and Mayo Clinic Laboratories, Mayo Clinic); PubMed 28631195 (cited by Mayo Clinic Laboratories, Mayo Clinic); PubMed 28867141 (cited by Mayo Clinic Laboratories, Mayo Clinic); PubMed 26007637 (cited by Mayo Clinic Laboratories, Mayo Clinic); NCBI Bookshelf NBK32534 (cited by GeneReviews).

NM_172107.4(KCNQ2):c.911T>C (p.Phe304Ser)

Gene: KCNQ2 (potassium voltage-gated channel subfamily Q member 2; minus strand). Cytogenetic location: 20q13.33.
Variant type: single nucleotide variant.
Coding change: c.911T>C on transcript NM_172107.4 (MANE Select); coding-DNA position 911, T replaced by C.
Protein change: p.Phe304Ser; replaces phenylalanine 304 with serine.
Molecular consequence: missense variant.
Genome position (GRCh38, 1-based): chr20:63,439,614, A>G on the plus strand (T>C on the coding strand, the complement: KCNQ2 is on the minus strand). VCF-style: chr20-63439614-A-G. GRCh37 (hg19) VCF-style: chr20-62070967-A-G.
Other names: c.911T>C, p.Phe304Ser (NM_004518.6, NM_172106.3, NM_172108.5 and 1 more transcripts); short protein forms F304S.
Identifiers: ClinVar variation 369771 (VCV000369771.11), dbSNP rs1057516100, ClinGen allele CA10654808.